The following is an entry in ClinVar:

ClinVar aggregate classification (germline): Uncertain significance. Review status: criteria provided, multiple submitters, no conflicts (2 of 4 stars). 3 submissions from 3 submitters: Uncertain significance (3). Last evaluated 2026-01-21.

Conditions:
Retinal dystrophy. Also called: Inherited retinal dystrophy. Identifiers: Orphanet 71862, MedGen C0854723, MeSH D058499, MONDO:0019118, HP:0000556.
IFT172-related disorder. Also called: IFT172-related disorders; IFT172-related condition.

Allele frequency attached by ClinVar (database versions not stated): TOPMed 0.00001; gnomAD exomes 0.00001.

Submissions (3):

PreventionGenetics, part of Exact Sciences
Classification: Uncertain significance for IFT172-related condition. Last evaluated: 2026-01-21. Review status: criteria provided, single submitter. Criteria: ACMG Guidelines, 2015. Collection method: clinical testing. Allele origin: germline.
Comment: The IFT172 c.5236T>C variant is predicted to result in the amino acid substitution p.Phe1746Leu. To our knowledge, this variant has not been reported in the literature. This variant is reported in 0.00088% of alleles in individuals of European (Non-Finnish) descent in gnomAD. At this time, the clinical significance of this variant is uncertain due to the absence of conclusive functional and genetic evidence.

Blueprint Genetics
Classification: Uncertain significance. Last evaluated: 2024-07-16. Review status: criteria provided, single submitter. Criteria: ACMG Guidelines, 2015. Collection method: clinical testing. Allele origin: germline.

Dept Of Ophthalmology, Nagoya University
Classification: Uncertain significance for Retinal dystrophy. Last evaluated: 2023-10-01. Review status: criteria provided, single submitter. Criteria: Submitter's publication. Collection method: research. Allele origin: germline. Affected: yes.

NM_015662.3(IFT172):c.5236T>C (p.Phe1746Leu)

Genes: IFT172 (intraflagellar transport 172; minus strand), KRTCAP3 (keratinocyte associated protein 3; plus strand). Cytogenetic location: 2p23.3.
Variant type: single nucleotide variant.
Coding change: c.5236T>C on transcript NM_015662.3 (MANE Select); coding-DNA position 5236, T replaced by C.
Protein change: p.Phe1746Leu; replaces phenylalanine 1746 with leucine.
Molecular consequence: missense variant. On other transcripts: intron variant (1).
Genome position (GRCh38, 1-based): chr2:27,444,446, A>G on the plus strand (T>C on the coding strand, the complement: IFT172 is on the minus strand). VCF-style: chr2-27444446-A-G. GRCh37 (hg19) VCF-style: chr2-27667313-A-G.
Other names: c.5170T>C, p.Phe1724Leu (NM_001410739.1); c.*5+385A>G (NM_001168364.2); c.5236T>C (NM_015662.2); short protein forms F1724L, F1746L.
Identifiers: ClinVar variation 3028787 (VCV003028787.3), dbSNP rs953161312, ClinGen allele CA44513874.